The following is an entry in ClinVar:

NM_005333.5(HCCS):c.489G>A (p.Lys163=)

Gene: HCCS (holocytochrome c synthase; plus strand). Cytogenetic location: Xp22.2.
Variant type: single nucleotide variant.
Coding change: c.489G>A on transcript NM_005333.5 (MANE Select); coding-DNA position 489, G replaced by A.
Protein change: p.Lys163=; no amino-acid change (lysine 163 retained).
Molecular consequence: synonymous variant.
Genome position (GRCh38, 1-based): chrX:11,118,588, G>A. VCF-style: chrX-11118588-G-A. GRCh37 (hg19) VCF-style: chrX-11136708-G-A.
Other names: c.489G>A (NM_005333.4); c.489G>A, p.Lys163= (NM_001122608.3, NM_001171991.3).
Identifiers: ClinVar variation 2716091 (VCV002716091.5), dbSNP rs191041384, ClinGen allele CA10347840.
Genomic context (GRCh38, chrX:11,118,588, plus strand): 5'-TCAGAAGGATATGTATAATATCATTAGAATTCACAATCAGAATAACGAGCAGGCTTGGAA[G>A]GAGATTTTGAAGTGGGAAGCCCTTCATGCTGCGTAAGTATGTTTGAGATCTTAAATGTTT-3'
Protein context (NP_005324.3, residues 153-173): IHNQNNEQAW[Lys163=]EILKWEALHA

ClinVar aggregate classification (germline): Benign. Review status: criteria provided, single submitter (1 of 4 stars). 2 submissions from 2 submitters: Benign (1). 1 of the submissions does not count toward it. Last evaluated 2026-01-20.

Conditions:
HCCS-related disorder. Also called: HCCS-related condition.

Allele frequency attached by ClinVar (database versions not stated): 1000 Genomes Project 0.00026; ExAC 0.00002; gnomAD 0.00002; gnomAD exomes 0.00002; TOPMed 0.00002; 1000 Genomes Project 30x 0.00021.
gnomAD v4.1: 24 of 1,205,025 alleles (0.002%); highest among the groups gnomAD compares: African/African-American, 0.0052%; no homozygotes.

Submissions (2):

Labcorp Genetics (formerly Invitae), Labcorp
Classification: Benign. Last evaluated: 2026-01-20. Review status: criteria provided, single submitter. Criteria: Invitae Variant Classification Sherloc (09022015). Collection method: clinical testing. Allele origin: germline.

PreventionGenetics, part of Exact Sciences
Classification: Likely benign for HCCS-related condition. Last evaluated: 2019-03-14. Review status: no assertion criteria provided. Collection method: clinical testing. Allele origin: germline. Not counted in ClinVar's aggregate classification.
Comment: This variant is classified as likely benign based on ACMG/AMP sequence variant interpretation guidelines (Richards et al. 2015 PMID: 25741868, with internal and published modifications).